The following is an entry in ClinVar:

NM_001012614.2(CTBP1):c.706A>C (p.Ile236Leu)

Genes: CTBP1 (C-terminal binding protein 1; minus strand), CTBP1-AS (CTBP1 antisense RNA; plus strand). Cytogenetic location: 4p16.3.
Variant type: single nucleotide variant.
Coding change: c.706A>C on transcript NM_001012614.2 (MANE Select); coding-DNA position 706, A replaced by C.
Protein change: p.Ile236Leu; replaces isoleucine 236 with leucine.
Molecular consequence: missense variant. On other transcripts: non-coding transcript variant (1).
Genome position (GRCh38, 1-based): chr4:1,216,014, T>G on the plus strand (A>C on the coding strand, the complement: CTBP1 is on the minus strand). VCF-style: chr4-1216014-T-G. GRCh37 (hg19) VCF-style: chr4-1209802-T-G.
Other names: c.739A>C, p.Ile247Leu (NM_001328.3, NM_001377186.1); c.706A>C, p.Ile236Leu (NM_001377187.1, NM_001377190.1, NM_001377191.1 and 4 more transcripts); short protein forms I236L, I247L.
Identifiers: ClinVar variation 1519340 (VCV001519340.6), dbSNP rs2108714483, ClinGen allele CA355948183.

ClinVar aggregate classification (germline): Uncertain significance (1 of 4 stars; one submission).

Submission:

Labcorp Genetics (formerly Invitae), Labcorp
Classification: Uncertain significance. Last evaluated: 2021-12-03. Review status: criteria provided, single submitter. Criteria: Invitae Variant Classification Sherloc (09022015). Collection method: clinical testing. Allele origin: germline.
Comment: This sequence change replaces isoleucine, which is neutral and non-polar, with leucine, which is neutral and non-polar, at codon 247 of the CTBP1 protein (p.Ile247Leu). This variant is not present in population databases (gnomAD no frequency). This variant has not been reported in the literature in individuals affected with CTBP1-related conditions. Algorithms developed to predict the effect of missense changes on protein structure and function are either unavailable or do not agree on the potential impact of this missense change (SIFT: "Deleterious"; PolyPhen-2: "Benign"; Align-GVGD: "Class C0"). In summary, the available evidence is currently insufficient to determine the role of this variant in disease. Therefore, it has been classified as a Variant of Uncertain Significance.